The following is an entry in ClinVar:

NM_001371904.1(APOA5):c.-3G>A

Genes: APOA5 (apolipoprotein A5; minus strand), LOC108491825 (enhancer-blocking element 11-1-2 overlapping APOA5; plus strand). Cytogenetic location: 11q23.3.
Variant type: single nucleotide variant.
Coding change: c.-3G>A on transcript NM_001371904.1 (MANE Select); 3 bases upstream of the start codon, G replaced by A.
Molecular consequence: 5 prime UTR variant.
Genome position (GRCh38, 1-based): chr11:116,791,863, C>T on the plus strand (G>A on the coding strand, the complement: APOA5 is on the minus strand). VCF-style: chr11-116791863-C-T. GRCh37 (hg19) VCF-style: chr11-116662579-C-T.
Other names: c.-3G>A (NM_001166598.2, NM_052968.5); c.-3A>A (NM_052968.4).
Identifiers: ClinVar variation 1284811 (VCV001284811.7), dbSNP rs651821, ClinGen allele CA6289195.
Genomic context (GRCh38, chr11:116,791,863, plus strand): 5'-GAGACCCACCTGAAAGAAGAGCCAGAGCCCAGGTGAGCACGGCAGCCATGCTTGCCATTA[C>T]CTGCTCTGAGAAGACAGGTGGAGGGAGGCCTGGTTAGGGGAAGAAGGAGACGAAGGGACA-3'

ClinVar aggregate classification (germline): Benign/Likely benign. Review status: criteria provided, multiple submitters, no conflicts (2 of 4 stars). 6 submissions from 6 submitters: Benign (3); Likely benign (1). 2 of the submissions do not count toward it. Last evaluated 2024-11-27.

Allele frequency attached by ClinVar (database versions not stated): 1000 Genomes Project 0.82448; 1000 Genomes Project 30x 0.82917; gnomAD exomes 0.87894 and 0.91620; ExAC 0.87989; TOPMed 0.88375; gnomAD 0.88923 and 0.89454; ESP Exome Variant Server 0.90549.

Submissions (6):

Blueprint Genetics
Classification: Likely benign. Last evaluated: 2024-11-27. Review status: criteria provided, single submitter. Criteria: ACMG Guidelines, 2015. Collection method: clinical testing. Allele origin: germline.

Women's Health and Genetics/Laboratory Corporation of America, LabCorp
Classification: Benign. Last evaluated: 2023-02-07. Review status: criteria provided, single submitter. Criteria: LabCorp Variant Classification Summary - May 2015. Collection method: clinical testing. Allele origin: germline.

Mayo Clinic Laboratories, Mayo Clinic
Classification: Benign. Last evaluated: 2022-03-20. Review status: criteria provided, single submitter. Criteria: ACMG Guidelines, 2015. Collection method: clinical testing. Allele origin: germline. Observed: 118 variant alleles.
Comment: BA1

Breakthrough Genomics
Classification: Benign. Review status: criteria provided, single submitter. Criteria: ACMG Guidelines, 2015. Collection method: not provided. Allele origin: germline. Inheritance: Autosomal dominant inheritance. Affected: yes.

Clinical Genetics, Academic Medical Center
Classification: Benign. Review status: no assertion criteria provided. Collection method: clinical testing. Allele origin: germline. Affected: yes. Study: VKGL Data-share Consensus. Not counted in ClinVar's aggregate classification.

Diagnostic Laboratory, Department of Genetics, University Medical Center Groningen
Classification: Benign. Review status: no assertion criteria provided. Collection method: clinical testing. Allele origin: germline. Affected: yes. Study: VKGL Data-share Consensus. Not counted in ClinVar's aggregate classification.